The following is an entry in ClinVar:

NM_153026.3(PRICKLE1):c.133-75G>T

Gene: PRICKLE1 (prickle planar cell polarity protein 1; minus strand). Cytogenetic location: 12q12.
Variant type: single nucleotide variant.
Coding change: c.133-75G>T on transcript NM_153026.3 (MANE Select); 75 bases into the intron before coding-DNA position 133, G replaced by T.
Molecular consequence: intron variant.
Genome position (GRCh38, 1-based): chr12:42,470,434, C>A on the plus strand (G>T on the coding strand, the complement: PRICKLE1 is on the minus strand). VCF-style: chr12-42470434-C-A. GRCh37 (hg19) VCF-style: chr12-42864236-C-A.
Other names: c.133-75G>T (NM_001144883.2, NM_001144882.2, NM_001144881.2).
Identifiers: ClinVar variation 674474 (VCV000674474.2), dbSNP rs77568691, ClinGen allele CA235494713.

ClinVar aggregate classification (germline): Likely benign. Review status: criteria provided, multiple submitters, no conflicts (2 of 4 stars). 2 submissions from 2 submitters: Likely benign (2). Last evaluated 2018-06-14.

Allele frequency attached by ClinVar (database versions not stated): gnomAD 0.01494 and 0.01673; TOPMed 0.01836; 1000 Genomes Project 0.04034; 1000 Genomes Project 30x 0.04122.
gnomAD v4.1: 11,990 of 1,042,738 alleles (1.1%); highest among the groups gnomAD compares: East Asian, 8.5%; 307 homozygotes.

Submissions (2):

GeneDx
Classification: Likely benign. Last evaluated: 2018-06-14. Review status: criteria provided, single submitter. Criteria: GeneDx Variant Classification (06012015). Collection method: clinical testing. Allele origin: germline. Affected: yes.
Comment: This variant is considered likely benign or benign based on one or more of the following criteria: it is a conservative change, it occurs at a poorly conserved position in the protein, it is predicted to be benign by multiple in silico algorithms, and/or has population frequency not consistent with disease.

Breakthrough Genomics
Classification: Likely benign. Review status: criteria provided, single submitter. Criteria: ACMG Guidelines, 2015. Collection method: not provided. Allele origin: germline. Inheritance: Autosomal recessive inheritance. Affected: yes.